The following is an entry in ClinVar:

ClinVar aggregate classification (germline): Benign/Likely benign. Review status: criteria provided, multiple submitters, no conflicts (2 of 4 stars). 6 submissions from 6 submitters: Benign (2); Likely benign (3). 1 of the submissions does not count toward it. Last evaluated 2025-12-09.

Conditions:
MYLK2-related disorder. Also called: MYLK2-related condition.
Hypertrophic cardiomyopathy 1 (CMH1). Also called: MYH7-Related Familial Hypertrophic Cardiomyopathy; Familial hypertrophic cardiomyopathy 1. Identifiers: MedGen C3495498, MONDO:0008647, OMIM 192600.

Allele frequency attached by ClinVar (database versions not stated): gnomAD exomes 0.00002 and 0.00006; ExAC 0.00012; gnomAD 0.00026 and 0.00029; TOPMed 0.00028; 1000 Genomes Project 30x 0.00031.

Submissions (6):

Labcorp Genetics (formerly Invitae), Labcorp
Classification: Benign for Hypertrophic cardiomyopathy 1. Last evaluated: 2025-12-09. Review status: criteria provided, single submitter. Criteria: Invitae Variant Classification Sherloc (09022015). Collection method: clinical testing. Allele origin: germline.

Women's Health and Genetics/Laboratory Corporation of America, LabCorp
Classification: Benign. Last evaluated: 2025-09-19. Review status: criteria provided, single submitter. Criteria: LabCorp Variant Classification Summary - May 2015. Collection method: clinical testing. Allele origin: germline.

Ambry Genetics
Classification: Likely benign. Last evaluated: 2022-02-21. Review status: criteria provided, single submitter. Criteria: Ambry Variant Classification Scheme 2023. Collection method: clinical testing. Allele origin: germline.

GeneDx
Classification: Likely benign. Last evaluated: 2021-05-12. Review status: criteria provided, single submitter. Criteria: GeneDx Variant Classification Process June 2021. Collection method: clinical testing. Allele origin: germline. Affected: yes.

Laboratory for Molecular Medicine, Mass General Brigham Personalized Medicine
Classification: Likely benign. Last evaluated: 2012-03-19. Review status: criteria provided, single submitter. Criteria: LMM Criteria. Collection method: clinical testing. Allele origin: germline. Observed: 1 variant allele.
Comment: p.Pro262Pro in Exon 05 of MYLK2: This variant is not expected to have clinical s ignificance because it does not alter an amino acid residue, is not located with in the splice consensus sequence. It has been identified in 0.1% (4/3738) of Afr ican American chromosomes from a broad population by the NHLBI Exome Sequencing Project.

PreventionGenetics, part of Exact Sciences
Classification: Likely benign for MYLK2-related condition. Last evaluated: 2022-08-03. Review status: no assertion criteria provided. Collection method: clinical testing. Allele origin: germline. Not counted in ClinVar's aggregate classification.
Comment: This variant is classified as likely benign based on ACMG/AMP sequence variant interpretation guidelines (Richards et al. 2015 PMID: 25741868, with internal and published modifications).

NM_033118.4(MYLK2):c.786A>G (p.Pro262=)

Gene: MYLK2 (myosin light chain kinase 2; plus strand). Cytogenetic location: 20q11.21.
Variant type: single nucleotide variant.
Coding change: c.786A>G on transcript NM_033118.4 (MANE Select); coding-DNA position 786, A replaced by G.
Protein change: p.Pro262=; no amino-acid change (proline 262 retained).
Molecular consequence: synonymous variant.
Genome position (GRCh38, 1-based): chr20:31,823,490, A>G. VCF-style: chr20-31823490-A-G. GRCh37 (hg19) VCF-style: chr20-30411293-A-G.
Identifiers: ClinVar variation 178089 (VCV000178089.20), dbSNP rs727504437, ClinGen allele CA181374.
Genomic context (GRCh38, chr20:31,823,490, plus strand): 5'-TCAGCAGCCCCTGGCACTGACCATGAGGGCTGTGCTCTGTCCCCCAGATGATTGCCCGCC[A>G]CCTCCGGCCCCCTTCCCTCACCGCATGGTGGAGCTGAGGACCGGGAATGTCAGCAGTGAA-3'
Protein context (NP_149109.1, residues 252-272): DCFQILDDCP[Pro262=]PPAPFPHRMV